The following is an entry in ClinVar:

ClinVar aggregate classification (germline): Uncertain significance (1 of 4 stars; one submission).

Conditions:
Gastrointestinal stromal tumor. Also called: Gastrointestinal stromal tumor, somatic; Gastrointestinal stroma tumor. Identifiers: Orphanet 44890, MedGen C0238198, MeSH D046152, MONDO:0011719, OMIM 606764, HP:0100723.

Submission:

Labcorp Genetics (formerly Invitae), Labcorp
Classification: Uncertain significance for Gastrointestinal stromal tumor. Last evaluated: 2025-05-30. Review status: criteria provided, single submitter. Criteria: Invitae Variant Classification Sherloc (09022015). Collection method: clinical testing. Allele origin: germline.
Comment: This sequence change replaces glutamic acid, which is acidic and polar, with glutamine, which is neutral and polar, at codon 898 of the KIT protein (p.Glu898Gln). This variant is not present in population databases (gnomAD no frequency). This variant has not been reported in the literature in individuals affected with KIT-related conditions. An algorithm developed to predict the effect of missense changes on protein structure and function (PolyPhen-2) suggests that this variant is likely to be disruptive. In summary, the available evidence is currently insufficient to determine the role of this variant in disease. Therefore, it has been classified as a Variant of Uncertain Significance.

NM_000222.3(KIT):c.2692G>C (p.Glu898Gln)

Gene: KIT (KIT proto-oncogene, receptor tyrosine kinase; plus strand). Cytogenetic location: 4q12.
Variant type: single nucleotide variant.
Coding change: c.2692G>C on transcript NM_000222.3 (MANE Select); coding-DNA position 2692, G replaced by C.
Protein change: p.Glu898Gln; replaces glutamic acid 898 with glutamine.
Molecular consequence: missense variant.
Genome position (GRCh38, 1-based): chr4:54,736,816, G>C. VCF-style: chr4-54736816-G-C. GRCh37 (hg19) VCF-style: chr4-55602982-G-C.
Other names: c.2680G>C, p.Glu894Gln (NM_001093772.2, NM_001385292.1); c.2695G>C, p.Glu899Gln (NM_001385284.1); c.2689G>C, p.Glu897Gln (NM_001385285.1); c.2677G>C, p.Glu893Gln (NM_001385286.1); c.2683G>C, p.Glu895Gln (NM_001385288.1); c.2692G>C, p.Glu898Gln (NM_001385290.1); short protein forms E893Q, E894Q, E897Q, E895Q, E898Q, E899Q.
Identifiers: ClinVar variation 4720452 (VCV004720452.1).